The following is an entry in ClinVar:

NM_001105206.3(LAMA4):c.1907A>G (p.Glu636Gly)

Gene: LAMA4 (laminin subunit alpha 4; minus strand). Cytogenetic location: 6q21.
Variant type: single nucleotide variant.
Coding change: c.1907A>G on transcript NM_001105206.3 (MANE Select); coding-DNA position 1907, A replaced by G.
Protein change: p.Glu636Gly; replaces glutamic acid 636 with glycine.
Molecular consequence: missense variant.
Genome position (GRCh38, 1-based): chr6:112,155,617, T>C on the plus strand (A>G on the coding strand, the complement: LAMA4 is on the minus strand). VCF-style: chr6-112155617-T-C. GRCh37 (hg19) VCF-style: chr6-112476819-T-C.
Other names: c.1886A>G, p.Glu629Gly (NM_001105207.3, NM_002290.5); short protein forms E629G, E636G.
Identifiers: ClinVar variation 3222024 (VCV003222024.1), dbSNP rs947903548, ClinGen allele CA144870433.

ClinVar aggregate classification (germline): Uncertain significance (1 of 4 stars; one submission).

Conditions:
Cardiovascular phenotype. Identifiers: MedGen CN230736.

Allele frequency attached by ClinVar (database versions not stated): gnomAD exomes below 0.00001.
gnomAD v4.1: 3 of 1,614,100 alleles (0.00019%); highest among the groups gnomAD compares: African/African-American, 0.004%; no homozygotes.

Submission:

Ambry Genetics
Classification: Uncertain significance for Cardiovascular phenotype. Last evaluated: 2023-12-11. Review status: criteria provided, single submitter. Criteria: Ambry Variant Classification Scheme 2023. Collection method: clinical testing. Allele origin: germline.
Comment: The p.E629G variant (also known as c.1886A>G), located in coding exon 14 of the LAMA4 gene, results from an A to G substitution at nucleotide position 1886. The glutamic acid at codon 629 is replaced by glycine, an amino acid with similar properties. This amino acid position is conserved. In addition, the in silico prediction for this alteration is inconclusive. Since supporting evidence is limited at this time, the clinical significance of this alteration remains unclear.